The following is an entry in ClinVar:

NM_022455.5(NSD1):c.5458G>A (p.Val1820Met)

Genes: NSD1 (nuclear receptor binding SET domain protein 1; plus strand), LOC126807619 (MED14-independent group 3 enhancer GRCh37_chr5:176696443-176697642; plus strand). Cytogenetic location: 5q35.3.
Variant type: single nucleotide variant.
Coding change: c.5458G>A on transcript NM_022455.5 (MANE Select); coding-DNA position 5458, G replaced by A.
Protein change: p.Val1820Met; replaces valine 1820 with methionine.
Molecular consequence: missense variant.
Genome position (GRCh38, 1-based): chr5:177,269,756, G>A. VCF-style: chr5-177269756-G-A. GRCh37 (hg19) VCF-style: chr5-176696757-G-A.
Other names: c.4585G>A, p.Val1529Met (NM_001365684.2, NM_001409308.1, NM_001409309.1 and 1 more transcripts); c.5458G>A, p.Val1820Met (NM_001409301.1, NM_001409302.1, NM_001409303.1); c.5038G>A, p.Val1680Met (NM_001409304.1); c.4705G>A, p.Val1569Met (NM_001409305.1); c.4696G>A, p.Val1566Met (NM_001409306.1, NM_001409307.1); short protein forms V1820M, V1551M, V1680M, V1566M, V1569M, V1529M.
Identifiers: ClinVar variation 289518 (VCV000289518.14), dbSNP rs752685166, ClinGen allele CA3577827.
Genomic context (GRCh38, chr5:177,269,756, plus strand): 5'-GGATCTAATGACTATTTGTGGACTCACCAGGCCCGAGTCTTCCCTTACATGGAGGGTGAC[G>A]TGAGCAGCAAGGATAAGATGGGCAAAGGAGTGGATGGGACATATAAAAAAGGTAACTTTA-3'
Protein context (NP_071900.2, residues 1810-1830): ARVFPYMEGD[Val1820Met]SSKDKMGKGV

ClinVar aggregate classification (germline): Conflicting classifications of pathogenicity. Review status: criteria provided, conflicting classifications (1 of 4 stars). 3 submissions from 3 submitters: Uncertain significance (2); Likely benign (1). Last evaluated 2026-07-01.

Conditions:
Sotos syndrome (SOTOS). Also called: Distinctive facial appearance, overgrowth in childhood, and learning disabilities or delayed development; CHROMOSOME 5q35 DELETION SYNDROME; SOTOS SYNDROME 1; CEREBRAL GIGANTISM; Sotos' syndrome. Identifiers: Orphanet 821, MedGen C0175695, MONDO:0019349, OMIM 117550.

Allele frequency attached by ClinVar (database versions not stated): gnomAD exomes 0.00001; ExAC 0.00002; TOPMed 0.00002.
gnomAD v4.1: 16 of 1,614,092 alleles (0.00099%); highest among the groups gnomAD compares: African/African-American, 0.0013%; no homozygotes.

Submissions (3):

CeGaT Center for Human Genetics Tuebingen
Classification: Likely benign. Last evaluated: 2026-07-01. Review status: criteria provided, single submitter. Criteria: CeGaT Center For Human Genetics Tuebingen Variant Classification Criteria Version 2. Collection method: clinical testing. Allele origin: germline. Affected: yes. Observed: 2 variant alleles.
Comment: NSD1: PP2, PP3, BS2

Fulgent Genetics
Classification: Uncertain significance for Sotos syndrome. Last evaluated: 2024-05-08. Review status: criteria provided, single submitter. Criteria: ACMG Guidelines, 2015. Collection method: clinical testing. Allele origin: germline.

Eurofins Ntd Llc (ga)
Classification: Uncertain significance. Last evaluated: 2016-08-09. Review status: criteria provided, single submitter. Criteria: EGL Classification Definitions 2015. Collection method: clinical testing. Allele origin: germline. Observed: 1 variant allele, 1 heterozygote.